The following is an entry in ClinVar:

NM_198241.3(EIF4G1):c.2416A>G (p.Ile806Val)

Gene: EIF4G1 (eukaryotic translation initiation factor 4 gamma 1; plus strand). Cytogenetic location: 3q27.1.
Variant type: single nucleotide variant.
Coding change: c.2416A>G on transcript NM_198241.3 (MANE Select); coding-DNA position 2416, A replaced by G.
Protein change: p.Ile806Val; replaces isoleucine 806 with valine.
Molecular consequence: missense variant.
Genome position (GRCh38, 1-based): chr3:184,323,921, A>G. VCF-style: chr3-184323921-A-G. GRCh37 (hg19) VCF-style: chr3-184041709-A-G.
Other names: p.Ile806Val; c.2437A>G, p.Ile813Val (NM_001194946.2, NM_001194947.2); c.2296A>G, p.Ile766Val (NM_001291157.2); c.1831A>G, p.Ile611Val (NM_004953.5); c.2419A>G, p.Ile807Val (NM_182917.4); c.1924A>G, p.Ile642Val (NM_198242.3); c.2155A>G, p.Ile719Val (NM_198244.3); short protein forms I611V, I642V, I719V, I766V, I806V, I807V, I813V.
Identifiers: ClinVar variation 3770455 (VCV003770455.14).

ClinVar aggregate classification (germline): Likely benign. Review status: criteria provided, multiple submitters, no conflicts (2 of 4 stars). 2 submissions from 2 submitters: Likely benign (2). Last evaluated 2025-05-23.

gnomAD v4.1: 1,169 of 1,614,146 alleles (0.072%); highest among the groups gnomAD compares: South Asian, 0.16%; 2 homozygotes.

Submissions (2):

Mayo Clinic Laboratories, Mayo Clinic
Classification: Likely benign. Last evaluated: 2025-05-23. Review status: criteria provided, single submitter. Criteria: ACMG Guidelines, 2015. Collection method: clinical testing. Allele origin: germline. Observed: 1 variant allele.
Comment: BS2, BP4

CeGaT Center for Human Genetics Tuebingen
Classification: Likely benign. Last evaluated: 2025-02-01. Review status: criteria provided, single submitter. Criteria: CeGaT Center For Human Genetics Tuebingen Variant Classification Criteria Version 2. Collection method: clinical testing. Allele origin: germline. Affected: yes. Observed: 1 variant allele.
Comment: EIF4G1: BS1

Literature cited by the submitters: PubMed 32707456 (cited by Mayo Clinic Laboratories, Mayo Clinic).